The following is an entry in ClinVar:

NM_001320198.2(KRT86):c.1280-9C>G

Gene: KRT86 (keratin 86; plus strand). Cytogenetic location: 12q13.13.
Variant type: single nucleotide variant.
Coding change: c.1280-9C>G on transcript NM_001320198.2 (MANE Select); 9 bases into the intron before coding-DNA position 1280, C replaced by G.
Molecular consequence: intron variant.
Genome position (GRCh38, 1-based): chr12:52,308,395, C>G. VCF-style: chr12-52308395-C-G. GRCh37 (hg19) VCF-style: chr12-52702179-C-G.
Identifiers: ClinVar variation 3041493 (VCV003041493.2), dbSNP rs746956490, ClinGen allele CA6577171.

ClinVar aggregate classification (germline): Likely benign (0 of 4 stars; one submission).

Conditions:
KRT86-related disorder. Also called: KRT86-related condition.

Allele frequency attached by ClinVar (database versions not stated): gnomAD 0.00001; ExAC 0.00002; TOPMed 0.00002; gnomAD exomes 0.00003.
gnomAD v4.1: 50 of 1,611,134 alleles (0.0031%); highest among the groups gnomAD compares: Non-Finnish European, 0.0041%; no homozygotes.

Submission:

PreventionGenetics, part of Exact Sciences
Classification: Likely benign for KRT86-related condition. Last evaluated: 2019-05-07. Review status: no assertion criteria provided. Collection method: clinical testing. Allele origin: germline.
Comment: This variant is classified as likely benign based on ACMG/AMP sequence variant interpretation guidelines (Richards et al. 2015 PMID: 25741868, with internal and published modifications).